The following is an entry in ClinVar:

ClinVar aggregate classification (germline): Uncertain significance (1 of 4 stars; one submission).

gnomAD v4.1: 4 of 1,612,500 alleles (0.00025%); highest among the groups gnomAD compares: South Asian, 0.0033%; no homozygotes.

Submission:

Labcorp Genetics (formerly Invitae), Labcorp
Classification: Uncertain significance. Last evaluated: 2024-12-31. Review status: criteria provided, single submitter. Criteria: Invitae Variant Classification Sherloc (09022015). Collection method: clinical testing. Allele origin: germline.
Comment: This sequence change replaces threonine, which is neutral and polar, with arginine, which is basic and polar, at codon 580 of the ADAMTS17 protein (p.Thr580Arg). This variant is present in population databases (no rsID available, gnomAD 0.003%). This variant has not been reported in the literature in individuals affected with ADAMTS17-related conditions. An algorithm developed to predict the effect of missense changes on protein structure and function (PolyPhen-2) suggests that this variant is likely to be tolerated. In summary, the available evidence is currently insufficient to determine the role of this variant in disease. Therefore, it has been classified as a Variant of Uncertain Significance.

NM_139057.4(ADAMTS17):c.1739C>G (p.Thr580Arg)

Gene: ADAMTS17 (ADAM metallopeptidase with thrombospondin type 1 motif 17; minus strand). Cytogenetic location: 15q26.3.
Variant type: single nucleotide variant.
Coding change: c.1739C>G on transcript NM_139057.4 (MANE Select); coding-DNA position 1739, C replaced by G.
Protein change: p.Thr580Arg; replaces threonine 580 with arginine.
Molecular consequence: missense variant.
Genome position (GRCh38, 1-based): chr15:100,116,996, G>C on the plus strand (C>G on the coding strand, the complement: ADAMTS17 is on the minus strand). VCF-style: chr15-100116996-G-C. GRCh37 (hg19) VCF-style: chr15-100657201-G-C.
Other names: short protein forms T580R.
Identifiers: ClinVar variation 3630050 (VCV003630050.2).